The following is an entry in ClinVar:

NM_001369.3(DNAH5):c.2261_2262delinsAGAGACAGT (p.Met754fs)

Genes: DNAH5-AS1 (DNAH5 antisense RNA 1; plus strand), DNAH5 (dynein axonemal heavy chain 5; minus strand). Cytogenetic location: 5p15.2.
Variant type: Indel.
Coding change: c.2261_2262delinsAGAGACAGT on transcript NM_001369.3 (MANE Select); coding-DNA positions 2261 to 2262, TG replaced by AGAGACAGT.
Protein change: p.Met754fs; shifts the reading frame from methionine 754.
Molecular consequence: frameshift variant.
Genome position (GRCh38, 1-based): chr5:13,894,819-13,894,820, CA replaced by ACTGTCTCT on the plus strand (TG replaced by AGAGACAGT on the coding strand, the reverse complement: DNAH5 is on the minus strand). VCF-style: chr5-13894819-CA-ACTGTCTCT. GRCh37 (hg19) VCF-style: chr5-13894928-CA-ACTGTCTCT.
Other names: short protein forms M754fs.
Identifiers: ClinVar variation 5016415 (VCV005016415.1).

ClinVar aggregate classification (germline): Pathogenic (1 of 4 stars; one submission).

Conditions:
Primary ciliary dyskinesia 3. Identifiers: Orphanet 244, MedGen C1837618, MONDO:0012085, OMIM 608644.

Submission:

Myriad Genetics, Inc.
Classification: Pathogenic for Primary ciliary dyskinesia 3. Last evaluated: 2024-05-14. Review status: criteria provided, single submitter. Criteria: Myriad Autosomal Dominant, Autosomal Recessive and X-Linked Classification Criteria (2023). Collection method: clinical testing. Allele origin: unknown.
Comment: NM_001369.2(DNAH5):c.2261_2262del2ins9(M754Kfs*7) is expected to be pathogenic in the context of primary ciliary dyskinesia, DNAH5-related. This variant is predicted to lead to an abnormal or absent protein product due to the creation of a premature termination codon in DNAH5, a gene where loss-of-function variants are known to be pathogenic. Please note: this variant was assessed in the context of healthy population screening.